The following is an entry in ClinVar:

ClinVar aggregate classification (germline): Uncertain significance (1 of 4 stars; one submission).

Allele frequency attached by ClinVar (database versions not stated): ExAC 0.00004; gnomAD exomes 0.00006; TOPMed 0.00073; gnomAD 0.00097; 1000 Genomes Project 0.00120; 1000 Genomes Project 30x 0.00125.
gnomAD v4.1: 230 of 1,613,916 alleles (0.014%); highest among the groups gnomAD compares: Admixed American, 0.38%; 1 homozygote.

Submission:

Labcorp Genetics (formerly Invitae), Labcorp
Classification: Uncertain significance. Last evaluated: 2023-12-22. Review status: criteria provided, single submitter. Criteria: Invitae Variant Classification Sherloc (09022015). Collection method: clinical testing. Allele origin: germline.
Comment: This sequence change replaces glycine, which is neutral and non-polar, with tryptophan, which is neutral and slightly polar, at codon 714 of the EPRS protein (p.Gly714Trp). This variant is present in population databases (rs188879915, gnomAD 0.2%). This variant has not been reported in the literature in individuals affected with EPRS-related conditions. ClinVar contains an entry for this variant (Variation ID: 2194279). An algorithm developed to predict the effect of missense changes on protein structure and function (PolyPhen-2) suggests that this variant is likely to be disruptive. In summary, the available evidence is currently insufficient to determine the role of this variant in disease. Therefore, it has been classified as a Variant of Uncertain Significance.

NM_004446.3(EPRS1):c.2140G>T (p.Gly714Trp)

Gene: EPRS1 (glutamyl-prolyl-tRNA synthetase 1; minus strand). Cytogenetic location: 1q41.
Variant type: single nucleotide variant.
Coding change: c.2140G>T on transcript NM_004446.3 (MANE Select); coding-DNA position 2140, G replaced by T.
Protein change: p.Gly714Trp; replaces glycine 714 with tryptophan.
Molecular consequence: missense variant.
Genome position (GRCh38, 1-based): chr1:220,001,179, C>A on the plus strand (G>T on the coding strand, the complement: EPRS1 is on the minus strand). VCF-style: chr1-220001179-C-A. GRCh37 (hg19) VCF-style: chr1-220174521-C-A.
Other names: short protein forms G714W.
Identifiers: ClinVar variation 2194279 (VCV002194279.2), dbSNP rs188879915, ClinGen allele CA1400063.
Genomic context (GRCh38, chr1:220,001,179, plus strand): 5'-TATCCGTAAAAGTCATTACCTCATTTTTTGTGGCTTCTACTTTGGTCTTTTCCTTTGACC[C>A]TGATGTTGGCATTTCCTTTGTGTGCCCATCAGGAATGTATATCAAAACACACGGGGCTTC-3'
Protein context (NP_004437.2, residues 704-724): DGHTKEMPTS[Gly714Trp]SKEKTKVEAT